The following is an entry in ClinVar:

NM_002335.4(LRP5):c.497A>G (p.Tyr166Cys)

Gene: LRP5 (LDL receptor related protein 5; plus strand). Cytogenetic location: 11q13.2.
Variant type: single nucleotide variant.
Coding change: c.497A>G on transcript NM_002335.4 (MANE Select); coding-DNA position 497, A replaced by G.
Protein change: p.Tyr166Cys; replaces tyrosine 166 with cysteine.
Molecular consequence: missense variant. On other transcripts: 5 prime UTR variant (1).
Genome position (GRCh38, 1-based): chr11:68,357,658, A>G. VCF-style: chr11-68357658-A-G. GRCh37 (hg19) VCF-style: chr11-68125126-A-G.
Other names: c.497A>G (NM_002335.2); c.-1269A>G (NM_001291902.2); short protein forms Y166C.
Identifiers: ClinVar variation 4912708 (VCV004912708.2).

ClinVar aggregate classification (germline): Uncertain significance. Review status: criteria provided, multiple submitters, no conflicts (2 of 4 stars). 2 submissions from 2 submitters: Uncertain significance (2). Last evaluated 2026-01-30.

gnomAD v4.1: 3 of 1,614,008 alleles (0.00019%); highest among the groups gnomAD compares: Non-Finnish European, 0.00017%; no homozygotes.

Submissions (2):

GeneDx
Classification: Uncertain significance. Last evaluated: 2026-01-30. Review status: criteria provided, single submitter. Criteria: GeneDx Variant Classification Process June 2021. Collection method: clinical testing. Allele origin: germline.
Comment: In silico analysis supports that this missense variant has a deleterious effect on protein structure/function; Has not been previously published as pathogenic or benign to our knowledge

Blueprint Genetics
Classification: Uncertain significance. Last evaluated: 2023-07-21. Review status: criteria provided, single submitter. Criteria: ACMG Guidelines, 2015. Collection method: clinical testing. Allele origin: germline.